The following is an entry in ClinVar:

NM_002474.3(MYH11):c.2607G>A (p.Gln869=)

Gene: MYH11 (myosin heavy chain 11; minus strand). Cytogenetic location: 16p13.11.
Variant type: single nucleotide variant.
Coding change: c.2607G>A on transcript NM_002474.3 (MANE Select); coding-DNA position 2607, G replaced by A.
Protein change: p.Gln869=; no amino-acid change (glutamine 869 retained).
Molecular consequence: synonymous variant.
Genome position (GRCh38, 1-based): chr16:15,741,805, C>T on the plus strand (G>A on the coding strand, the complement: MYH11 is on the minus strand). VCF-style: chr16-15741805-C-T. GRCh37 (hg19) VCF-style: chr16-15835662-C-T.
Other names: c.2628G>A, p.Gln876= (NM_001040113.2, NM_001040114.2); c.2607G>A, p.Gln869= (NM_022844.3).
Identifiers: ClinVar variation 2920558 (VCV002920558.4), dbSNP rs555471585, ClinGen allele CA493790998.

ClinVar aggregate classification (germline): Likely benign. Review status: criteria provided, multiple submitters, no conflicts (2 of 4 stars). 2 submissions from 2 submitters: Likely benign (2). Last evaluated 2023-05-04.

Conditions:
Aortic aneurysm, familial thoracic 4 (AAT4). Also called: AORTIC ANEURYSM/AORTIC DISSECTION AND PATENT DUCTUS ARTERIOSUS. Identifiers: MedGen C1851504, MONDO:0007568, OMIM 132900.
Familial thoracic aortic aneurysm and aortic dissection (TAAD). Also called: Thoracic aortic aneurysms and dissections. Identifiers: Orphanet 91387, MedGen C4707243, MONDO:0019625.

Allele frequency attached by ClinVar (database versions not stated): gnomAD exomes below 0.00001.
gnomAD v4.1: 1 of 1,614,242 alleles (0.000062%); highest among the groups gnomAD compares: Non-Finnish European, 0.000085%; no homozygotes.

Submissions (2):

All of Us Research Program, National Institutes of Health
Classification: Likely benign for Familial thoracic aortic aneurysm and aortic dissection. Last evaluated: 2023-05-04. Review status: criteria provided, single submitter. Criteria: ACMG Guidelines, 2015. Collection method: clinical testing. Allele origin: germline. Inheritance: Autosomal dominant inheritance. Observed: 1 variant allele, 1 heterozygote.
Comment: This study involves interpretation of variants in research participants for the purpose of population health screening. Participant phenotype was not available at the time of variant classification. Additional details can be found in publication PMID: 35346344, PMCID: PMC8962531

Labcorp Genetics (formerly Invitae), Labcorp
Classification: Likely benign for Aortic aneurysm, familial thoracic 4. Last evaluated: 2023-03-29. Review status: criteria provided, single submitter. Criteria: Invitae Variant Classification Sherloc (09022015). Collection method: clinical testing. Allele origin: germline.